The following is an entry in ClinVar:

NM_000430.4(PAFAH1B1):c.496G>A (p.Ala166Thr)

Gene: PAFAH1B1 (platelet activating factor acetylhydrolase 1b regulatory subunit 1; plus strand). Cytogenetic location: 17p13.3.
Variant type: single nucleotide variant.
Coding change: c.496G>A on transcript NM_000430.4 (MANE Select); coding-DNA position 496, G replaced by A.
Protein change: p.Ala166Thr; replaces alanine 166 with threonine.
Molecular consequence: missense variant.
Genome position (GRCh38, 1-based): chr17:2,670,259, G>A. VCF-style: chr17-2670259-G-A. GRCh37 (hg19) VCF-style: chr17-2573553-G-A.
Other names: short protein forms A166T.
Identifiers: ClinVar variation 4761983 (VCV004761983.1).

ClinVar aggregate classification (germline): Uncertain significance (1 of 4 stars; one submission).

gnomAD v4.1: 3 of 1,614,154 alleles (0.00019%); highest among the groups gnomAD compares: Non-Finnish European, 0.00025%; no homozygotes.

Submission:

Labcorp Genetics (formerly Invitae), Labcorp
Classification: Uncertain significance. Last evaluated: 2025-03-31. Review status: criteria provided, single submitter. Criteria: Invitae Variant Classification Sherloc (09022015). Collection method: clinical testing. Allele origin: germline.
Comment: This sequence change replaces alanine, which is neutral and non-polar, with threonine, which is neutral and polar, at codon 166 of the PAFAH1B1 protein (p.Ala166Thr). This variant is present in population databases (no rsID available, gnomAD 0.0009%). This variant has not been reported in the literature in individuals affected with PAFAH1B1-related conditions. An algorithm developed to predict the effect of missense changes on protein structure and function outputs the following: PolyPhen-2: "Probably Damaging". The threonine amino acid residue is found in multiple mammalian species, which suggests that this missense change does not adversely affect protein function. In summary, the available evidence is currently insufficient to determine the role of this variant in disease. Therefore, it has been classified as a Variant of Uncertain Significance.